The following is an entry in ClinVar:

ClinVar aggregate classification (germline): Uncertain significance (1 of 4 stars; one submission).

Submission:

Labcorp Genetics (formerly Invitae), Labcorp
Classification: Uncertain significance. Last evaluated: 2023-08-04. Review status: criteria provided, single submitter. Criteria: Invitae Variant Classification Sherloc (09022015). Collection method: clinical testing. Allele origin: germline.
Comment: ClinVar contains an entry for this variant (Variation ID: 1359443). This variant has not been reported in the literature in individuals affected with KRT5-related conditions. Advanced modeling of protein sequence and biophysical properties (such as structural, functional, and spatial information, amino acid conservation, physicochemical variation, residue mobility, and thermodynamic stability) performed at Invitae indicates that this missense variant is expected to disrupt KRT5 protein function. This variant is not present in population databases (gnomAD no frequency). This sequence change replaces arginine, which is basic and polar, with proline, which is neutral and non-polar, at codon 354 of the KRT5 protein (p.Arg354Pro). In summary, the available evidence is currently insufficient to determine the role of this variant in disease. Therefore, it has been classified as a Variant of Uncertain Significance.

NM_000424.4(KRT5):c.1061G>C (p.Arg354Pro)

Gene: KRT5 (keratin 5; minus strand). Cytogenetic location: 12q13.13.
Variant type: single nucleotide variant.
Coding change: c.1061G>C on transcript NM_000424.4 (MANE Select); coding-DNA position 1061, G replaced by C.
Protein change: p.Arg354Pro; replaces arginine 354 with proline.
Molecular consequence: missense variant.
Genome position (GRCh38, 1-based): chr12:52,517,621, C>G on the plus strand (G>C on the coding strand, the complement: KRT5 is on the minus strand). VCF-style: chr12-52517621-C-G. GRCh37 (hg19) VCF-style: chr12-52911405-C-G.
Other names: short protein forms R354P.
Identifiers: ClinVar variation 1359443 (VCV001359443.8), dbSNP rs148049379, ClinGen allele CA384926456.